The following is an entry in ClinVar:

ClinVar aggregate classification (germline): Pathogenic (1 of 4 stars; one submission).

Submission:

Labcorp Genetics (formerly Invitae), Labcorp
Classification: Pathogenic. Last evaluated: 2024-12-23. Review status: criteria provided, single submitter. Criteria: Invitae Variant Classification Sherloc (09022015). Collection method: clinical testing. Allele origin: germline.
Comment: This sequence change creates a premature translational stop signal (p.Glu546Leufs*16) in the GGCX gene. It is expected to result in an absent or disrupted protein product. Loss-of-function variants in GGCX are known to be pathogenic (PMID: 17110937, 17327402, 24520408). This variant is not present in population databases (gnomAD no frequency). This variant has not been reported in the literature in individuals affected with GGCX-related conditions. For these reasons, this variant has been classified as Pathogenic.

Literature cited by the submitters: PubMed 17110937; PubMed 17327402; PubMed 24520408.

NM_000821.7(GGCX):c.1635_1636insCT (p.Glu546fs)

Gene: GGCX (gamma-glutamyl carboxylase; minus strand). Cytogenetic location: 2p11.2.
Variant type: Insertion.
Coding change: c.1635_1636insCT on transcript NM_000821.7 (MANE Select); coding-DNA positions 1635 to 1636, CT inserted.
Protein change: p.Glu546fs; shifts the reading frame from glutamic acid 546.
Molecular consequence: frameshift variant.
Genome position: GRCh38 VCF-style: chr2-85551584-C-CAG. GRCh37 (hg19) VCF-style: chr2-85778707-C-CAG.
Other names: c.1464_1465insCT, p.Glu489fs (NM_001142269.4); short protein forms E489fs, E546fs.
Identifiers: ClinVar variation 3727803 (VCV003727803.2).